The following is an entry in ClinVar:

ClinVar aggregate classification (germline): Uncertain significance (1 of 4 stars; one submission).

Conditions:
Combined immunodeficiency with skin granulomas. Identifiers: Orphanet 157949, MedGen C2673536, MONDO:0009306, OMIM 233650.
Severe combined immunodeficiency, autosomal recessive, T cell-negative, B cell-negative, NK cell-positive. Also called: SCID, T CELL-NEGATIVE, B CELL-NEGATIVE, NK CELL-POSITIVE; SCID, AR, T-cell negative, B-cell negative, NK cell-positive; Severe combined immunodeficiency due to complete RAG1/2 deficiency. Identifiers: Orphanet 331206, MedGen C1832322, MONDO:0011086, OMIM 601457.

Allele frequency attached by ClinVar (database versions not stated): gnomAD exomes below 0.00001 and 0.00001; ExAC 0.00002.
gnomAD v4.1: 2 of 1,614,168 alleles (0.00012%); highest among the groups gnomAD compares: Admixed American, 0.0033%; no homozygotes.

Submission:

Labcorp Genetics (formerly Invitae), Labcorp
Classification: Uncertain significance for Combined immunodeficiency with skin granulomas; Severe combined immunodeficiency, autosomal recessive, T cell-negative, B cell-negative, NK cell-positive. Last evaluated: 2024-12-12. Review status: criteria provided, single submitter. Criteria: Invitae Variant Classification Sherloc (09022015). Collection method: clinical testing. Allele origin: germline.
Comment: This sequence change replaces serine, which is neutral and polar, with isoleucine, which is neutral and non-polar, at codon 314 of the RAG2 protein (p.Ser314Ile). This variant is present in population databases (rs766257880, gnomAD 0.006%). This variant has not been reported in the literature in individuals affected with RAG2-related conditions. ClinVar contains an entry for this variant (Variation ID: 1420431). Invitae Evidence Modeling of protein sequence and biophysical properties (such as structural, functional, and spatial information, amino acid conservation, physicochemical variation, residue mobility, and thermodynamic stability) has been performed for this missense variant. However, the output from this modeling did not meet the statistical confidence thresholds required to predict the impact of this variant on RAG2 protein function. In summary, the available evidence is currently insufficient to determine the role of this variant in disease. Therefore, it has been classified as a Variant of Uncertain Significance.

NM_000536.4(RAG2):c.941G>T (p.Ser314Ile)

Gene: RAG2 (recombination activating 2; minus strand). Cytogenetic location: 11p12.
Variant type: single nucleotide variant.
Coding change: c.941G>T on transcript NM_000536.4 (MANE Select); coding-DNA position 941, G replaced by T.
Protein change: p.Ser314Ile; replaces serine 314 with isoleucine.
Molecular consequence: missense variant.
Genome position (GRCh38, 1-based): chr11:36,593,228, C>A on the plus strand (G>T on the coding strand, the complement: RAG2 is on the minus strand). VCF-style: chr11-36593228-C-A. GRCh37 (hg19) VCF-style: chr11-36614778-C-A.
Other names: c.941G>T, p.Ser314Ile (NM_001243785.2, NM_001243786.2); short protein forms S314I.
Identifiers: ClinVar variation 1420431 (VCV001420431.6), dbSNP rs766257880, ClinGen allele CA5950500.